The following is an entry in ClinVar:

NM_001130987.2(DYSF):c.6181G>A (p.Asp2061Asn)

Gene: DYSF (dysferlin; plus strand). Cytogenetic location: 2p13.2.
Variant type: single nucleotide variant.
Coding change: c.6181G>A on transcript NM_001130987.2 (MANE Select); coding-DNA position 6181, G replaced by A.
Protein change: p.Asp2061Asn; replaces aspartic acid 2061 with asparagine.
Molecular consequence: missense variant.
Genome position (GRCh38, 1-based): chr2:71,682,537, G>A. VCF-style: chr2-71682537-G-A. GRCh37 (hg19) VCF-style: chr2-71909667-G-A.
Other names: c.6067G>A, p.Asp2023Asn (NM_001130455.2); c.6022G>A, p.Asp2008Asn (NM_001130976.2); c.6085G>A, p.Asp2029Asn (NM_001130977.2); c.6127G>A, p.Asp2043Asn (NM_001130978.2); c.6157G>A, p.Asp2053Asn (NM_001130979.2); c.6115G>A, p.Asp2039Asn (NM_001130980.2); c.6178G>A, p.Asp2060Asn (NM_001130981.2); c.6160G>A, p.Asp2054Asn (NM_001130982.2); and 5 more; short protein forms D2008N, D2009N, D2030N, D2022N, D2053N, D2054N, D2060N, D2061N.
Identifiers: ClinVar variation 2079595 (VCV002079595.1), dbSNP rs2095309291, ClinGen allele CA347226944.

ClinVar aggregate classification (germline): Uncertain significance (1 of 4 stars; one submission).

Conditions:
Neuromuscular disease caused by qualitative or quantitative defects of dysferlin. Also called: Qualitative or quantitative defects of dysferlin; Dysferlinopathy. Identifiers: Orphanet 207073, MedGen C2931687, MONDO:0016145.

Allele frequency attached by ClinVar (database versions not stated): gnomAD exomes below 0.00001; TOPMed below 0.00001.
gnomAD v4.1: 1 of 1,614,044 alleles (0.000062%); highest among the groups gnomAD compares: East Asian, 0.0022%; no homozygotes.

Submission:

Labcorp Genetics (formerly Invitae), Labcorp
Classification: Uncertain significance for Neuromuscular disease caused by qualitative or quantitative defects of dysferlin. Last evaluated: 2022-01-26. Review status: criteria provided, single submitter. Criteria: Invitae Variant Classification Sherloc (09022015). Collection method: clinical testing. Allele origin: germline.
Comment: This sequence change replaces aspartic acid, which is acidic and polar, with asparagine, which is neutral and polar, at codon 2022 of the DYSF protein (p.Asp2022Asn). This variant is not present in population databases (gnomAD no frequency). This variant has not been reported in the literature in individuals affected with DYSF-related conditions. Advanced modeling of protein sequence and biophysical properties (such as structural, functional, and spatial information, amino acid conservation, physicochemical variation, residue mobility, and thermodynamic stability) performed at Invitae indicates that this missense variant is not expected to disrupt DYSF protein function. In summary, the available evidence is currently insufficient to determine the role of this variant in disease. Therefore, it has been classified as a Variant of Uncertain Significance.